The following is an entry in ClinVar:

NM_000051.4(ATM):c.1241A>T (p.Gln414Leu)

Gene: ATM (ATM serine/threonine kinase; plus strand). Cytogenetic location: 11q22.3.
Variant type: single nucleotide variant.
Coding change: c.1241A>T on transcript NM_000051.4 (MANE Select); coding-DNA position 1241, A replaced by T.
Protein change: p.Gln414Leu; replaces glutamine 414 with leucine.
Molecular consequence: missense variant.
Genome position (GRCh38, 1-based): chr11:108,250,706, A>T. VCF-style: chr11-108250706-A-T. GRCh37 (hg19) VCF-style: chr11-108121433-A-T.
Other names: c.1241A>T, p.Gln414Leu (NM_001351834.2); short protein forms Q414L.
Identifiers: ClinVar variation 2984963 (VCV002984963.6), dbSNP rs2080088877, ClinGen allele CA382533156.
Genomic context (GRCh38, chr11:108,250,706, plus strand): 5'-TAGTTTGTTAATGTGATGGAATAGTTTTCAAATTATCCTTTTTTTTTTTTTTTAGGCTAC[A>T]GATTGCAACCCAATTAATATCAAAGTATCCTGCAAGTTTACCTAACTGTGAGCTGTCTCC-3'
Protein context (NP_000042.3, residues 404-424): QNDFDLVPWL[Gln414Leu]IATQLISKYP

ClinVar aggregate classification (germline): Uncertain significance. Review status: criteria provided, multiple submitters, no conflicts (2 of 4 stars). 3 submissions from 3 submitters: Uncertain significance (3). Last evaluated 2026-03-29.

Conditions:
Hereditary cancer-predisposing syndrome. Also called: Neoplastic Syndromes, Hereditary; Tumor predisposition; Hereditary neoplastic syndrome; Hereditary Cancer Syndrome. Identifiers: Orphanet 140162, MedGen C0027672, MeSH D009386, MONDO:0015356.
Ataxia-telangiectasia syndrome (AT). Also called: LOUIS-BAR SYNDROME; Cerebello-oculocutaneous telangiectasia; Immunodeficiency with ataxia telangiectasia; Ataxia-telangiectasia, complementation group D; AT, COMPLEMENTATION GROUP C; ATAXIA-TELANGIECTASIA, COMPLEMENTATION GROUP A. Identifiers: Orphanet 100, MedGen C0004135, MONDO:0008840, OMIM 208900.

Allele frequency attached by ClinVar (database versions not stated): TOPMed below 0.00001; gnomAD exomes below 0.00001.
gnomAD v4.1: 2 of 1,596,910 alleles (0.00013%); highest among the groups gnomAD compares: African/African-American, 0.0014%; no homozygotes.

Submissions (3):

Ambry Genetics
Classification: Uncertain significance for Hereditary cancer-predisposing syndrome. Last evaluated: 2026-03-29. Review status: criteria provided, single submitter. Criteria: Ambry Variant Classification Scheme 2023. Collection method: clinical testing. Allele origin: germline.
Comment: The p.Q414L variant (also known as c.1241A>T), located in coding exon 9 of the ATM gene, results from an A to T substitution at nucleotide position 1241. The glutamine at codon 414 is replaced by leucine, an amino acid with dissimilar properties. This amino acid position is conserved. In addition, the in silico prediction for this alteration is inconclusive. Based on the available evidence, the clinical significance of this variant remains unclear.

Dasa
Classification: Uncertain significance. Last evaluated: 2024-12-13. Review status: criteria provided, single submitter. Criteria: DASA Assertion Criteria. Collection method: clinical testing. Allele origin: germline.
Comment: NM_000051.4(ATM):c.1241A>T (p.Gln414Leu) is a missense variant that results in the substitution of glutamine with leucine. This variant is rare in population databases. The currently available literature and clinical evidence are not sufficient to establish a definitive association between this variant and the reported condition. Therefore, this variant is classified as a variant of uncertain significance.

Labcorp Genetics (formerly Invitae), Labcorp
Classification: Uncertain significance for Ataxia-telangiectasia syndrome. Last evaluated: 2023-05-15. Review status: criteria provided, single submitter. Criteria: Invitae Variant Classification Sherloc (09022015). Collection method: clinical testing. Allele origin: germline.
Comment: This variant is not present in population databases (gnomAD no frequency). In summary, the available evidence is currently insufficient to determine the role of this variant in disease. Therefore, it has been classified as a Variant of Uncertain Significance. An algorithm developed to predict the effect of missense changes on protein structure and function (PolyPhen-2) suggests that this variant is likely to be disruptive. This variant has not been reported in the literature in individuals affected with ATM-related conditions. This sequence change replaces glutamine, which is neutral and polar, with leucine, which is neutral and non-polar, at codon 414 of the ATM protein (p.Gln414Leu).